The following is an entry in ClinVar:

NM_001165963.4(SCN1A):c.4474A>T (p.Lys1492Ter)

Genes: SCN1A (sodium voltage-gated channel alpha subunit 1; minus strand), LOC102724058 (uncharacterized LOC102724058; plus strand). Cytogenetic location: 2q24.3.
Variant type: single nucleotide variant.
Coding change: c.4474A>T on transcript NM_001165963.4 (MANE Select); coding-DNA position 4474, A replaced by T.
Protein change: p.Lys1492Ter; replaces lysine 1492 with a stop codon.
Molecular consequence: nonsense. On other transcripts: non-coding transcript variant (1).
Genome position (GRCh38, 1-based): chr2:165,998,040, T>A on the plus strand (A>T on the coding strand, the complement: SCN1A is on the minus strand). VCF-style: chr2-165998040-T-A. GRCh37 (hg19) VCF-style: chr2-166854550-T-A.
Other names: c.4441A>T, p.Lys1481Ter (NM_001353952.2, NM_006920.6, NM_001353949.2 and 2 more transcripts); c.4438A>T, p.Lys1480Ter (NM_001353954.2, NM_001353955.2); c.4390A>T, p.Lys1464Ter (NM_001353957.2, NM_001353958.2, NM_001165964.3); c.4387A>T, p.Lys1463Ter (NM_001353960.2); c.2032A>T, p.Lys678Ter (NM_001353961.2); c.4474A>T, p.Lys1492Ter (NM_001202435.3, NM_001353948.2); short protein forms K678*, K1481*, K1463*, K1480*, K1464*, K1492*.
Identifiers: ClinVar variation 2853312 (VCV002853312.3), dbSNP rs1553522287, ClinGen allele CA349049052.

ClinVar aggregate classification (germline): Pathogenic (1 of 4 stars; one submission).

Conditions:
Early-infantile DEE. Also called: Ohtahara syndrome; Early infantile epileptic encephalopathy with suppression bursts; Early infantile epileptic encephalopathy. Identifiers: Orphanet 1934, MedGen C0393706, MONDO:0800491.

Submission:

Labcorp Genetics (formerly Invitae), Labcorp
Classification: Pathogenic for Early-infantile DEE. Last evaluated: 2023-04-14. Review status: criteria provided, single submitter. Criteria: Invitae Variant Classification Sherloc (09022015). Collection method: clinical testing. Allele origin: germline.
Comment: For these reasons, this variant has been classified as Pathogenic. Algorithms developed to predict the effect of sequence changes on RNA splicing suggest that this variant may disrupt the consensus splice site. This variant has not been reported in the literature in individuals affected with SCN1A-related conditions. This variant is not present in population databases (gnomAD no frequency). This sequence change creates a premature translational stop signal (p.Lys1492*) in the SCN1A gene. It is expected to result in an absent or disrupted protein product. Loss-of-function variants in SCN1A are known to be pathogenic (PMID: 17347258, 18930999).

Literature cited by the submitters: PubMed 17347258; PubMed 18930999.